The following is an entry in ClinVar:

ClinVar aggregate classification (germline): Uncertain significance (1 of 4 stars; one submission).

Conditions:
Hypertrophic cardiomyopathy 14. Identifiers: MedGen C2750467, MONDO:0013197, OMIM 613251.

Submission:

Labcorp Genetics (formerly Invitae), Labcorp
Classification: Uncertain significance for Hypertrophic cardiomyopathy 14. Last evaluated: 2025-04-07. Review status: criteria provided, single submitter. Criteria: Invitae Variant Classification Sherloc (09022015). Collection method: clinical testing. Allele origin: germline.
Comment: This sequence change affects a donor splice site in intron 8 of the MYH6 gene. It is expected to disrupt RNA splicing. Variants that disrupt the donor or acceptor splice site typically lead to a loss of protein function (PMID: 16199547), however the current clinical and genetic evidence is not sufficient to establish whether loss-of-function variants in MYH6 cause disease. This variant is not present in population databases (gnomAD no frequency). This variant has not been reported in the literature in individuals affected with MYH6-related conditions. Algorithms developed to predict the effect of sequence changes on RNA splicing suggest that this variant may disrupt the consensus splice site. In summary, the available evidence is currently insufficient to determine the role of this variant in disease. Therefore, it has been classified as a Variant of Uncertain Significance.

Literature cited by the submitters: PubMed 16199547.

NM_002471.4(MYH6):c.735+1G>C

Gene: MYH6 (myosin heavy chain 6; minus strand). Cytogenetic location: 14q11.2.
Variant type: single nucleotide variant.
Coding change: c.735+1G>C on transcript NM_002471.4 (MANE Select); the canonical splice donor site of the intron after coding-DNA position 735, G replaced by C.
Molecular consequence: splice donor variant.
Genome position (GRCh38, 1-based): chr14:23,404,295, C>G on the plus strand (G>C on the coding strand, the complement: MYH6 is on the minus strand). VCF-style: chr14-23404295-C-G. GRCh37 (hg19) VCF-style: chr14-23873504-C-G.
Identifiers: ClinVar variation 4747356 (VCV004747356.1).